The following is an entry in ClinVar:

ClinVar aggregate classification (germline): Uncertain significance (1 of 4 stars; one submission).

Conditions:
Hereditary sensory and autonomic neuropathy type 7. Also called: HSAN VII; Neuropathy, hereditary sensory and autonomic, type VII. Identifiers: Orphanet 391397, MedGen C3809882, MONDO:0014244, OMIM 615548.
Familial episodic pain syndrome with predominantly lower limb involvement. Also called: Episodic pain syndrome, familial, 3. Identifiers: Orphanet 391384, Orphanet 391392, MedGen C3809899, MONDO:0014247, OMIM 615552.

Submission:

Labcorp Genetics (formerly Invitae), Labcorp
Classification: Uncertain significance for Familial episodic pain syndrome with predominantly lower limb involvement; Hereditary sensory and autonomic neuropathy type 7. Last evaluated: 2024-09-27. Review status: criteria provided, single submitter. Criteria: Invitae Variant Classification Sherloc (09022015). Collection method: clinical testing. Allele origin: germline.
Comment: This sequence change replaces threonine, which is neutral and polar, with alanine, which is neutral and non-polar, at codon 1549 of the SCN11A protein (p.Thr1549Ala). This variant is not present in population databases (gnomAD no frequency). This variant has not been reported in the literature in individuals affected with SCN11A-related conditions. Invitae Evidence Modeling of protein sequence and biophysical properties (such as structural, functional, and spatial information, amino acid conservation, physicochemical variation, residue mobility, and thermodynamic stability) indicates that this missense variant is expected to disrupt SCN11A protein function with a positive predictive value of 80%. In summary, the available evidence is currently insufficient to determine the role of this variant in disease. Therefore, it has been classified as a Variant of Uncertain Significance.

NM_001349253.2(SCN11A):c.4645A>G (p.Thr1549Ala)

Gene: SCN11A (sodium voltage-gated channel alpha subunit 11; minus strand). Cytogenetic location: 3p22.2.
Variant type: single nucleotide variant.
Coding change: c.4645A>G on transcript NM_001349253.2 (MANE Select); coding-DNA position 4645, A replaced by G.
Protein change: p.Thr1549Ala; replaces threonine 1549 with alanine.
Molecular consequence: missense variant.
Genome position (GRCh38, 1-based): chr3:38,847,425, T>C on the plus strand (A>G on the coding strand, the complement: SCN11A is on the minus strand). VCF-style: chr3-38847425-T-C. GRCh37 (hg19) VCF-style: chr3-38888916-T-C.
Other names: c.4645A>G, p.Thr1549Ala (NM_014139.3); short protein forms T1549A.
Identifiers: ClinVar variation 3752615 (VCV003752615.2).